The following is an entry in ClinVar:

NM_003850.3(SUCLA2):c.1106dup (p.Val370fs)

Gene: SUCLA2 (succinate-CoA ligase ADP-forming subunit beta; minus strand). Cytogenetic location: 13q14.2.
Variant type: Duplication.
Coding change: c.1106dup on transcript NM_003850.3 (MANE Select); coding-DNA position 1106, one base duplicated (A; older notation c.1106dupA).
Protein change: p.Val370fs; shifts the reading frame from valine 370.
Molecular consequence: frameshift variant.
Genome position (GRCh38, 1-based): chr13:47,954,141, T duplicated on the plus strand (A on the coding strand, the reverse complement: SUCLA2 is on the minus strand); the first of 5 consecutive T bases (chr13:47,954,141-47,954,145); duplicating any one gives the same sequence. VCF-style (leftmost placement, unchanged base first): chr13-47954140-C-CT. GRCh37 (hg19) VCF-style: chr13-48528275-C-CT.
Other names: short protein forms V370fs.
Identifiers: ClinVar variation 3252235 (VCV003252235.1), dbSNP rs761484877.

ClinVar aggregate classification (germline): Pathogenic (1 of 4 stars; one submission).

Submission:

GeneDx
Classification: Pathogenic. Last evaluated: 2023-10-02. Review status: criteria provided, single submitter. Criteria: GeneDx Variant Classification Process June 2021. Collection method: clinical testing. Allele origin: germline. Affected: yes.
Comment: Heterozygous in an individual with methylmalonic acidemia in whom a second SUCLA2 variant was not identified (Forny et al., 2023); Frameshift variant predicted to result in protein truncation or nonsense mediated decay in a gene for which loss of function is a known mechanism of disease; Not observed at significant frequency in large population cohorts (gnomAD); This variant is associated with the following publications: (PMID: 26675597, 24463508, 36717752)